The following is an entry in ClinVar:

ClinVar aggregate classification (germline): Likely pathogenic. Review status: criteria provided, multiple submitters, no conflicts (2 of 4 stars). 3 submissions from 3 submitters: Likely pathogenic (2). 1 of the submissions does not count toward it. Last evaluated 2023-08-19.

Conditions:
ALG6-congenital disorder of glycosylation 1C (CDG1C). Also called: CARBOHYDRATE-DEFICIENT GLYCOPROTEIN SYNDROME, TYPE I, WITH DEFICIENT GLYCOSYLATION OF DOLICHOL-LINKED OLIGOSACCHARIDE; CARBOHYDRATE-DEFICIENT GLYCOPROTEIN SYNDROME, TYPE V; Congenital disorder of glycosylation type 1C; Congenital disorder of glycosylation, type Ic; CDG Ic. Identifiers: Orphanet 79320, MedGen C2930997, MONDO:0011291, OMIM 603147.

Submissions (3):

Labcorp Genetics (formerly Invitae), Labcorp
Classification: Likely pathogenic for ALG6-congenital disorder of glycosylation 1C. Last evaluated: 2023-08-19. Review status: criteria provided, single submitter. Criteria: Invitae Variant Classification Sherloc (09022015). Collection method: clinical testing. Allele origin: germline.
Comment: ClinVar contains an entry for this variant (Variation ID: 553967). This variant has not been reported in the literature in individuals affected with ALG6-related conditions. This variant is not present in population databases (gnomAD no frequency). This sequence change affects an acceptor splice site in intron 13 of the ALG6 gene. It is expected to disrupt RNA splicing. Variants that disrupt the donor or acceptor splice site typically lead to a loss of protein function (PMID: 16199547), and loss-of-function variants in ALG6 are known to be pathogenic (PMID: 19862844). Algorithms developed to predict the effect of sequence changes on RNA splicing suggest that this variant may disrupt the consensus splice site. In summary, the currently available evidence indicates that the variant is pathogenic, but additional data are needed to prove that conclusively. Therefore, this variant has been classified as Likely Pathogenic.

Baylor Genetics
Classification: Likely pathogenic for ALG6-congenital disorder of glycosylation 1C. Last evaluated: 2023-07-22. Review status: criteria provided, single submitter. Criteria: ACMG Guidelines, 2015. Collection method: clinical testing. Allele origin: unknown.

Counsyl
Classification: Likely pathogenic for ALG6-congenital disorder of glycosylation 1C. Last evaluated: 2017-10-06. Review status: no assertion criteria provided. Collection method: clinical testing. Allele origin: unknown. Not counted in ClinVar's aggregate classification.

Literature cited by the submitters: PubMed 16199547 (cited by Labcorp Genetics (formerly Invitae), Labcorp); PubMed 19862844 (cited by Labcorp Genetics (formerly Invitae), Labcorp).

NM_013339.4(ALG6):c.1128-2A>C

Gene: ALG6 (ALG6 alpha-1,3-glucosyltransferase; plus strand). Cytogenetic location: 1p31.3.
Variant type: single nucleotide variant.
Coding change: c.1128-2A>C on transcript NM_013339.4 (MANE Select); the canonical splice acceptor site of the intron before coding-DNA position 1128, A replaced by C.
Molecular consequence: splice acceptor variant.
Genome position (GRCh38, 1-based): chr1:63,428,926, A>C. VCF-style: chr1-63428926-A-C. GRCh37 (hg19) VCF-style: chr1-63894597-A-C.
Identifiers: ClinVar variation 553967 (VCV000553967.11), dbSNP rs1553156882, ClinGen allele CA340639902.